The following is an entry in ClinVar:

NM_021922.3(FANCE):c.284A>G (p.Gln95Arg)

Gene: FANCE (FA complementation group E; plus strand). Cytogenetic location: 6p21.31.
Variant type: single nucleotide variant.
Coding change: c.284A>G on transcript NM_021922.3 (MANE Select); coding-DNA position 284, A replaced by G.
Protein change: p.Gln95Arg; replaces glutamine 95 with arginine.
Molecular consequence: missense variant.
Genome position (GRCh38, 1-based): chr6:35,455,782, A>G. VCF-style: chr6-35455782-A-G. GRCh37 (hg19) VCF-style: chr6-35423559-A-G.
Other names: short protein forms Q95R.
Identifiers: ClinVar variation 539301 (VCV000539301.19), dbSNP rs149097636, ClinGen allele CA3771372.

ClinVar aggregate classification (germline): Conflicting classifications of pathogenicity. Review status: criteria provided, conflicting classifications (1 of 4 stars). 6 submissions from 6 submitters: Uncertain significance (3); Likely benign (2). 1 of the submissions does not count toward it. Last evaluated 2026-01-24.

Conditions:
FANCE-related disorder. Also called: FANCE-related condition.
Fanconi anemia (FA). Also called: Fanconi's anemia. Identifiers: Orphanet 84, MedGen C0015625, MeSH D005199, MONDO:0019391.
Fanconi anemia complementation group E (FANCE). Also called: FANCE-Related Fanconi Anemia. Identifiers: Orphanet 84, MedGen C3160739, MONDO:0010953, OMIM 600901.

Allele frequency attached by ClinVar (database versions not stated): gnomAD exomes 0.00004; gnomAD 0.00098; TOPMed 0.00100; ESP Exome Variant Server 0.00123.
gnomAD v4.1: 203 of 1,614,184 alleles (0.013%); highest among the groups gnomAD compares: African/African-American, 0.25%; 1 homozygote.

Submissions (6):

Labcorp Genetics (formerly Invitae), Labcorp
Classification: Likely benign for Fanconi anemia complementation group E. Last evaluated: 2026-01-24. Review status: criteria provided, single submitter. Criteria: Invitae Variant Classification Sherloc (09022015). Collection method: clinical testing. Allele origin: germline.

Blueprint Genetics
Classification: Likely benign. Last evaluated: 2024-11-22. Review status: criteria provided, single submitter. Criteria: ACMG Guidelines, 2015. Collection method: clinical testing. Allele origin: germline.

GeneDx
Classification: Uncertain significance. Last evaluated: 2022-01-20. Review status: criteria provided, single submitter. Criteria: GeneDx Variant Classification Process June 2021. Collection method: clinical testing. Allele origin: germline. Affected: yes.
Comment: In silico analysis supports that this missense variant does not alter protein structure/function; Has not been previously published as pathogenic or benign to our knowledge

Baylor Genetics
Classification: Uncertain significance for Fanconi anemia complementation group E. Last evaluated: 2021-11-24. Review status: criteria provided, single submitter. Criteria: ACMG Guidelines, 2015. Collection method: clinical testing. Allele origin: unknown. Affected: yes. Study: CSER-TexasKidsCanSeq.
Comment: This variant was determined to be of uncertain significance according to ACMG Guidelines, 2015 [PMID:25741868].

Sema4
Classification: Uncertain significance for Fanconi anemia. Last evaluated: 2021-09-05. Review status: criteria provided, single submitter. Criteria: Sema4 Curation Guidelines. Collection method: curation. Allele origin: germline.
Comment: The FANCE c.284A>G (p.Q95R) variant has not been reported in the literature to our knowledge. It was observed in 70/24970 chromosomes, including 1 homozygote, in the African subpopulation in the large and broad cohorts of the Genome Aggregation Database (PMID: 32461654). The variant has been reported in ClinVar (Variation ID: 539301). Computational analyses and evolutionary conservation data suggest the impact of the variant on protein function is benign, though these predictions have not been confirmed by functional studies. There is no indication that this variant causes disease, but the evidence is insufficient currently to prove that conclusively. Thus, the clinical significance of this variant is currently uncertain.

PreventionGenetics, part of Exact Sciences
Classification: Likely benign for FANCE-related condition. Last evaluated: 2022-02-17. Review status: no assertion criteria provided. Collection method: clinical testing. Allele origin: germline. Not counted in ClinVar's aggregate classification.
Comment: This variant is classified as likely benign based on ACMG/AMP sequence variant interpretation guidelines (Richards et al. 2015 PMID: 25741868, with internal and published modifications).